The following is an entry in ClinVar:

NM_001079802.2(FKTN):c.1112A>G (p.Tyr371Cys)

Gene: FKTN (fukutin; plus strand). Cytogenetic location: 9q31.2.
Variant type: single nucleotide variant.
Coding change: c.1112A>G on transcript NM_001079802.2 (MANE Select); coding-DNA position 1112, A replaced by G.
Protein change: p.Tyr371Cys; replaces tyrosine 371 with cysteine.
Molecular consequence: missense variant. On other transcripts: non-coding transcript variant (2).
Genome position (GRCh38, 1-based): chr9:105,620,001, A>G. VCF-style: chr9-105620001-A-G. GRCh37 (hg19) VCF-style: chr9-108382282-A-G.
Other names: c.1112A>G, p.Tyr371Cys (NM_001198963.2, NM_001351496.2, NM_001351498.2 and 1 more transcripts); c.1043A>G, p.Tyr348Cys (NM_001351497.2); c.716A>G, p.Tyr239Cys (NM_001351499.2, NM_001351500.2, NM_001351501.2 and 1 more transcripts); short protein forms Y371C, Y239C, Y348C.
Identifiers: ClinVar variation 3215 (VCV000003215.38), dbSNP rs119464998, ClinGen allele CA116084.

ClinVar aggregate classification (germline): Pathogenic/Likely pathogenic. Review status: criteria provided, multiple submitters, no conflicts (2 of 4 stars). 11 submissions from 10 submitters: Pathogenic (3); Likely pathogenic (6). 2 of the submissions do not count toward it. Last evaluated 2026-07-10.

Conditions:
Cardiovascular phenotype. Identifiers: MedGen CN230736.
Walker-Warburg congenital muscular dystrophy. Also called: Muscular dystrophy-dystroglycanopathy, type A; Walker-Warburg syndrome. Identifiers: Orphanet 899, MedGen C0265221, MONDO:0000171.
Muscular dystrophy-dystroglycanopathy (congenital with brain and eye anomalies), type A, 4 (MDDGA4). Also called: Walker-Warburg Syndrome, Fktn-Related; Congenital muscular dystrophy-dystroglycanopathy with brain and eye anomalies, type A4; WALKER-WARBURG SYNDROME OR MUSCLE-EYE-BRAIN DISEASE, FKTN-RELATED; Muscular dystrophy, congenital progressive, with mental retardation; Muscular dystrophy, congenital, with central nervous system involvement; Cerebromuscular dystrophy, Fukuyama type. Identifiers: Orphanet 272, Orphanet 588, Orphanet 899, MedGen C0410174, MONDO:0009678, OMIM 253800.
Muscular dystrophy-dystroglycanopathy (congenital without impaired intellectual development), type B, 4. Also called: MUSCULAR DYSTROPHY, CONGENITAL, FKTN-RELATED; Muscular dystrophy-dystroglycanopathy (congenital without intellectual disability), type B4. Identifiers: MedGen C2751052, MONDO:0013156, OMIM 613152.
Dilated cardiomyopathy 1X (CMD1X). Also called: FKTN-Related Dilated Cardiomyopathy; CARDIOMYOPATHY, DILATED, WITH MILD OR NO PROXIMAL MUSCLE WEAKNESS. Identifiers: Orphanet 154, MedGen C1969024, MONDO:0012704, OMIM 611615.
Autosomal recessive limb-girdle muscular dystrophy type 2M. Also called: MUSCULAR DYSTROPHY-DYSTROGLYCANOPATHY (LIMB-GIRDLE), TYPE C, 4; MUSCULAR DYSTROPHY, LIMB-GIRDLE, TYPE 2M. Identifiers: Orphanet 206554, MedGen C1969040, MONDO:0012699, OMIM 611588.

Allele frequency attached by ClinVar (database versions not stated): gnomAD exomes 0.00002 and 0.00003; ExAC 0.00002; gnomAD 0.00002; TOPMed 0.00002.

Submissions (11):

Ambry Genetics
Classification: Likely pathogenic for Cardiovascular phenotype. Last evaluated: 2026-07-10. Review status: criteria provided, single submitter. Criteria: Ambry Variant Classification Scheme 2023. Collection method: clinical testing. Allele origin: germline.
Comment: The p.Y371C variant (also known as c.1112A>G), located in coding exon 8 of the FKTN gene, results from an A to G substitution at nucleotide position 1112. This variant has been identified in the homozygous state and/or in conjunction with other FKTN variant(s) in individual(s) with features consistent with FKTN-related dystroglycanopathies (Kobayashi K et al. FEBS Lett, 2001 Feb;489:192-6; Vuillaumier-Barrot S et al. Neuromuscul Disord, 2009 Mar;19:182-8; van Waning JI et al. J Am Coll Cardiol, 2018 02;71:711-722; external communication). Studies suggest this alteration may have an impact on protein function, however the exact function of fukutin is yet unknown (Xiong H et al. Biochem Biophys Res Commun, 2006 Dec;350:935-41; Tachikawa M et al. J Biol Chem, 2012 Mar;287:8398-406). The tyrosine at codon 371 is replaced by cysteine, an amino acid with highly dissimilar properties. This amino acid position is highly conserved in available vertebrate species. In addition, this alteration is predicted to be deleterious by in silico analysis. Based on the majority of available evidence to date, this variant is likely to be pathogenic.

Labcorp Genetics (formerly Invitae), Labcorp
Classification: Pathogenic for Walker-Warburg congenital muscular dystrophy. Last evaluated: 2026-01-05. Review status: criteria provided, single submitter. Criteria: Invitae Variant Classification Sherloc (09022015). Collection method: clinical testing. Allele origin: germline.
Comment: This sequence change replaces tyrosine, which is neutral and polar, with cysteine, which is neutral and slightly polar, at codon 371 of the FKTN protein (p.Tyr371Cys). This variant is present in population databases (rs119464998, gnomAD 0.01%). This missense change has been observed in individuals with congenital muscular dystrophy (PMID: 11165248, 19179078; internal data). It has also been observed to segregate with disease in related individuals. ClinVar contains an entry for this variant (Variation ID: 3215). Invitae Evidence Modeling of protein sequence and biophysical properties (such as structural, functional, and spatial information, amino acid conservation, physicochemical variation, residue mobility, and thermodynamic stability) indicates that this missense variant is expected to disrupt FKTN protein function with a positive predictive value of 95%. Experimental studies have shown that this missense change affects FKTN function (PMID: 17034757, 22275357). For these reasons, this variant has been classified as Pathogenic.

Revvity Omics, Revvity
Classification: Pathogenic. Last evaluated: 2025-03-20. Review status: criteria provided, single submitter. Criteria: ACMG Guidelines, 2015. Collection method: clinical testing. Allele origin: germline.

Natera, Inc.
Classification: Likely pathogenic for Walker-Warburg congenital muscular dystrophy. Last evaluated: 2025-03-18. Review status: criteria provided, single submitter. Criteria: Natera Variant Classification Schema (03/2026). Collection method: clinical testing. Allele origin: germline.
Comment: The c.1112A>G variant in FKTN is a missense variant predicted to cause substitution of tyrosine to cysteine at amino acid 371. This variant is rare in the general population with a frequency below the threshold expected for the associated phenotype(s). This variant has been observed in one or more individuals affected with the associated recessive disease, as either homozygous or compound heterozygous with a second variant (PMID: 19179078, 36964972). Functional studies show that this variant may disrupt protein function (PMID: 22275357). Computational prediction algorithms indicate this variant is likely to affect gene or protein function. Given the available evidence, this variant is classified as Likely Pathogenic.

Fulgent Genetics
Classification: Likely pathogenic for Muscular dystrophy-dystroglycanopathy (congenital with brain and eye anomalies), type A, 4; Autosomal recessive limb-girdle muscular dystrophy type 2M; Dilated cardiomyopathy 1X; Muscular dystrophy-dystroglycanopathy (congenital without impaired intellectual development), type B, 4. Last evaluated: 2024-04-06. Review status: criteria provided, single submitter. Criteria: ACMG Guidelines, 2015. Collection method: clinical testing. Allele origin: germline.

Laboratory of Medical Genetics, National & Kapodistrian University of Athens
Classification: Pathogenic for Autosomal recessive limb-girdle muscular dystrophy type 2M. Last evaluated: 2024-02-01. Review status: criteria provided, single submitter. Criteria: ACMG Guidelines, 2015. Collection method: curation. Allele origin: germline. Affected: no.

Baylor Genetics
Classification: Likely pathogenic for Dilated cardiomyopathy 1X. Last evaluated: 2024-01-26. Review status: criteria provided, single submitter. Criteria: ACMG Guidelines, 2015. Collection method: clinical testing. Allele origin: unknown.

Women's Health and Genetics/Laboratory Corporation of America, LabCorp
Classification: Likely pathogenic for Muscular dystrophy-dystroglycanopathy (congenital with brain and eye anomalies), type A, 4. Last evaluated: 2023-04-04. Review status: criteria provided, single submitter. Criteria: LabCorp Variant Classification Summary - May 2015. Collection method: clinical testing. Allele origin: germline.
Comment: Variant summary: FKTN c.1112A>G (p.Tyr371Cys) results in a non-conservative amino acid change in the encoded protein sequence. Five of five in-silico tools predict a damaging effect of the variant on protein function. The variant allele was found at a frequency of 2.8e-05 in 251166 control chromosomes. c.1112A>G has been reported in the literature as a compound heterozygous genotype in two patients (two sisters) presenting with congenital muscular dystrophy, mental retardation, and posterior fossa malformation including cysts, and brain atrophy at Brain MRI (Vuillaumier-Barrot_2009), as a compound heterozygous genotype in a patient with Fukuyama-type congenital muscular dystrophy (FCMD) (Kobayashi_2001, Tachikawa_2012) and as a complex genotype with reportedly pathogenic variants in three different genes to include this one, RBM20 and HCN4 in an individual with noncompaction cardiomyopathy (NCCM) (van Waning_2018). At least one publication reports experimental evidence evaluating an impact on protein function reporting that the mutant accumulated in the ER instead of Golgi (WT) (Tachikawa_2012). Four clinical diagnostic laboratories have submitted clinical-significance assessments for this variant to ClinVar after 2014 without evidence for independent evaluation. Multiple laboratories reported the variant with conflicting assessments (Lp/P, n=2; VUS, n=2). Based on the evidence outlined above, the variant was classified as likely pathogenic.

Baylor Genetics
Classification: Likely pathogenic for Muscular dystrophy-dystroglycanopathy (congenital with brain and eye anomalies), type A, 4. Review status: criteria provided, single submitter. Criteria: ACMG Guidelines, 2015. Collection method: clinical testing. Allele origin: germline.

Counsyl
Classification: Uncertain significance for Muscular dystrophy-dystroglycanopathy (congenital with brain and eye anomalies), type A, 4. Last evaluated: 2017-11-14. Review status: no assertion criteria provided. Collection method: clinical testing. Allele origin: unknown. Not counted in ClinVar's aggregate classification.

OMIM
Classification: Pathogenic for MUSCULAR DYSTROPHY-DYSTROGLYCANOPATHY (CONGENITAL WITH BRAIN AND EYE ANOMALIES), TYPE A, 4. Last evaluated: 2009-03-01. Review status: no assertion criteria provided. Collection method: literature only. Allele origin: germline. Not counted in ClinVar's aggregate classification.

Literature cited by the submitters: PubMed 11165248 (cited by 4 submitters); PubMed 17034757 (cited by 3 submitters); PubMed 19179078 (cited by 6 submitters); PubMed 20961758 (cited by Ambry Genetics); PubMed 22275357 (cited by 5 submitters); PubMed 29447731 (cited by Ambry Genetics and Women's Health and Genetics/Laboratory Corporation of America, LabCorp); PubMed 36964972 (cited by Natera, Inc.); PubMed 18177472 (cited by Women's Health and Genetics/Laboratory Corporation of America, LabCorp).